The following is an entry in ClinVar:

NM_000135.4(FANCA):c.4011-1G>C

Genes: FANCA (FA complementation group A; minus strand), ZNF276 (zinc finger protein 276; plus strand). Cytogenetic location: 16q24.3.
Variant type: single nucleotide variant.
Coding change: c.4011-1G>C on transcript NM_000135.4 (MANE Select); the canonical splice acceptor site of the intron before coding-DNA position 4011, G replaced by C.
Molecular consequence: splice acceptor variant. On other transcripts: 3 prime UTR variant (2), non-coding transcript variant (4).
Genome position (GRCh38, 1-based): chr16:89,739,290, C>G on the plus strand (G>C on the coding strand, the complement: FANCA is on the minus strand). VCF-style: chr16-89739290-C-G. GRCh37 (hg19) VCF-style: chr16-89805698-C-G.
Other names: c.*1044C>G (NM_001113525.2, NM_152287.4); c.4011-1G>C (NM_001286167.3).
Identifiers: ClinVar variation 1069019 (VCV001069019.7), dbSNP rs761988162, ClinGen allele CA397484723.

ClinVar aggregate classification (germline): Pathogenic (1 of 4 stars; one submission).

Conditions:
Fanconi anemia (FA). Also called: Fanconi's anemia. Identifiers: Orphanet 84, MedGen C0015625, MeSH D005199, MONDO:0019391.

gnomAD v4.1: 7 of 1,614,138 alleles (0.00043%); highest among the groups gnomAD compares: Non-Finnish European, 0.00059%; no homozygotes.

Submission:

Labcorp Genetics (formerly Invitae), Labcorp
Classification: Pathogenic for Fanconi anemia. Last evaluated: 2018-06-30. Review status: criteria provided, single submitter. Criteria: Invitae Variant Classification Sherloc (09022015). Collection method: clinical testing. Allele origin: germline.
Comment: For these reasons, this variant has been classified as Pathogenic. Donor and acceptor splice site variants typically lead to a loss of protein function (PMID: 16199547), and loss-of-function variants in FANCA are known to be pathogenic (PMID: 19367192). Experimental studies have shown that this intronic change leads to an aberrant mRNA splicing (PMID: 24584348). This variant has been observed in an individual Fanconi anemia (PMID: 24584348). This variant is not present in population databases (ExAC no frequency). This sequence change affects an acceptor splice site in intron 40 of the FANCA gene. It is expected to disrupt RNA splicing and likely results in an absent or disrupted protein product.

Literature cited by the submitters: PubMed 16199547; PubMed 19367192; PubMed 24584348.